The following is an entry in ClinVar:

ClinVar aggregate classification (germline): Uncertain significance (1 of 4 stars; one submission).

Submission:

Labcorp Genetics (formerly Invitae), Labcorp
Classification: Uncertain significance. Last evaluated: 2025-05-22. Review status: criteria provided, single submitter. Criteria: Invitae Variant Classification Sherloc (09022015). Collection method: clinical testing. Allele origin: germline.
Comment: This sequence change replaces glycine, which is neutral and non-polar, with valine, which is neutral and non-polar, at codon 961 of the ZNF687 protein (p.Gly961Val). This variant is not present in population databases (gnomAD no frequency). This variant has not been reported in the literature in individuals affected with ZNF687-related conditions. An algorithm developed to predict the effect of missense changes on protein structure and function (PolyPhen-2) suggests that this variant is likely to be disruptive. In summary, the available evidence is currently insufficient to determine the role of this variant in disease. Therefore, it has been classified as a Variant of Uncertain Significance.

NM_020832.3(ZNF687):c.2882G>T (p.Gly961Val)

Gene: ZNF687 (zinc finger protein 687; plus strand). Cytogenetic location: 1q21.3.
Variant type: single nucleotide variant.
Coding change: c.2882G>T on transcript NM_020832.3 (MANE Select); coding-DNA position 2882, G replaced by T.
Protein change: p.Gly961Val; replaces glycine 961 with valine.
Molecular consequence: missense variant.
Genome position (GRCh38, 1-based): chr1:151,289,925, G>T. VCF-style: chr1-151289925-G-T. GRCh37 (hg19) VCF-style: chr1-151262401-G-T.
Other names: c.2882G>T, p.Gly961Val (NM_001304763.2, NM_001304764.2); short protein forms G961V.
Identifiers: ClinVar variation 4720082 (VCV004720082.1).